The following is an entry in ClinVar:

ClinVar aggregate classification (germline): Uncertain significance (1 of 4 stars; one submission).

Submission:

Labcorp Genetics (formerly Invitae), Labcorp
Classification: Uncertain significance. Last evaluated: 2022-02-05. Review status: criteria provided, single submitter. Criteria: Invitae Variant Classification Sherloc (09022015). Collection method: clinical testing. Allele origin: germline.
Comment: This sequence change replaces lysine, which is basic and polar, with isoleucine, which is neutral and non-polar, at codon 1172 of the UNC80 protein (p.Lys1172Ile). This variant is not present in population databases (gnomAD no frequency). This variant has not been reported in the literature in individuals affected with UNC80-related conditions. Algorithms developed to predict the effect of missense changes on protein structure and function are either unavailable or do not agree on the potential impact of this missense change (SIFT: "Not Available"; PolyPhen-2: "Probably Damaging"; Align-GVGD: "Not Available"). In summary, the available evidence is currently insufficient to determine the role of this variant in disease. Therefore, it has been classified as a Variant of Uncertain Significance.

NM_001371986.1(UNC80):c.3509A>T (p.Lys1170Ile)

Gene: UNC80 (unc-80 subunit of NALCN channel complex; plus strand). Cytogenetic location: 2q34.
Variant type: single nucleotide variant.
Coding change: c.3509A>T on transcript NM_001371986.1 (MANE Select); coding-DNA position 3509, A replaced by T.
Protein change: p.Lys1170Ile; replaces lysine 1170 with isoleucine.
Molecular consequence: missense variant.
Genome position (GRCh38, 1-based): chr2:209,849,505, A>T. VCF-style: chr2-209849505-A-T. GRCh37 (hg19) VCF-style: chr2-210714229-A-T.
Other names: c.3515A>T, p.Lys1172Ile (NM_032504.2); c.3500A>T, p.Lys1167Ile (NM_182587.4); short protein forms K1167I, K1172I, K1170I.
Identifiers: ClinVar variation 1498291 (VCV001498291.8), dbSNP rs2124838276, ClinGen allele CA350735050.